The following is an entry in ClinVar:

NM_001142800.2(EYS):c.8828G>A (p.Trp2943Ter)

Genes: EYS (EGF-like photoreceptor maintenance factor; minus strand), PHF3 (PHD finger protein 3; plus strand). Cytogenetic location: 6q12.
Variant type: single nucleotide variant.
Coding change: c.8828G>A on transcript NM_001142800.2 (MANE Select); coding-DNA position 8828, G replaced by A.
Protein change: p.Trp2943Ter; replaces tryptophan 2943 with a stop codon.
Molecular consequence: nonsense. On other transcripts: 3 prime UTR variant (5).
Genome position (GRCh38, 1-based): chr6:63,721,203, C>T on the plus strand (G>A on the coding strand, the complement: EYS is on the minus strand). VCF-style: chr6-63721203-C-T. GRCh37 (hg19) VCF-style: chr6-64431099-C-T.
Other names: c.*7495C>T (NM_001290259.2, NM_001370348.2, NM_001370349.2 and 2 more transcripts); c.8891G>A, p.Trp2964Ter (NM_001292009.2); short protein forms W2943*, W2964*.
Identifiers: ClinVar variation 1072184 (VCV001072184.9), dbSNP rs2149624568, ClinGen allele CA364383885.
Genomic context (GRCh38, chr6:63,721,203, plus strand): 5'-GAATTACCCATAAATTTTGCAGTTGAAAATGAAGTTTTGTTTTCACAATACCTTCCCACC[C>T]AACCCAAAGTACACAGGCAACTGTAAGAAAATGATTGGTCAGGTATACATAAAGATTGGT-3'

ClinVar aggregate classification (germline): Pathogenic (1 of 4 stars; one submission).

gnomAD v4.1: 1 of 1,551,642 alleles (0.000064%); no homozygotes.

Submission:

Labcorp Genetics (formerly Invitae), Labcorp
Classification: Pathogenic. Last evaluated: 2020-08-14. Review status: criteria provided, single submitter. Criteria: Invitae Variant Classification Sherloc (09022015). Collection method: clinical testing. Allele origin: germline.
Comment: This sequence change results in a premature translational stop signal in the EYS gene (p.Trp2943*). While this is not anticipated to result in nonsense mediated decay, it is expected to disrupt the last 202 amino acids of the EYS protein. This variant is not present in population databases (ExAC no frequency). This variant has not been reported in the literature in individuals with EYS-related conditions. Algorithms developed to predict the effect of sequence changes on RNA splicing suggest that this variant may create or strengthen a splice site, but this prediction has not been confirmed by published transcriptional studies. This variant disrupts the C-terminus of the EYS protein. Other variant(s) that disrupt this region (p.Tyr3135*) have been determined to be pathogenic (PMID: 18976725, 31074760, 29159838, 30337596). This suggests that variants that disrupt this region of the protein are likely to be causative of disease. For these reasons, this variant has been classified as Pathogenic.

Literature cited by the submitters: PubMed 18976725; PubMed 31074760; PubMed 29159838; PubMed 30337596.